The following is an entry in ClinVar:

NM_002471.4(MYH6):c.1411-12T>C

Gene: MYH6 (myosin heavy chain 6; minus strand). Cytogenetic location: 14q11.2.
Variant type: single nucleotide variant.
Coding change: c.1411-12T>C on transcript NM_002471.4 (MANE Select); 12 bases into the intron before coding-DNA position 1411, T replaced by C.
Molecular consequence: intron variant.
Genome position (GRCh38, 1-based): chr14:23,400,438, A>G on the plus strand (T>C on the coding strand, the complement: MYH6 is on the minus strand). VCF-style: chr14-23400438-A-G. GRCh37 (hg19) VCF-style: chr14-23869647-A-G.
Identifiers: ClinVar variation 1032059 (VCV001032059.8), dbSNP rs749244720, ClinGen allele CA7115806.

ClinVar aggregate classification (germline): Conflicting classifications of pathogenicity. Review status: criteria provided, conflicting classifications (1 of 4 stars). 2 submissions from 2 submitters: Uncertain significance (1); Likely benign (1). Last evaluated 2025-12-13.

Conditions:
Atrial septal defect 3 (ASD3). Identifiers: Orphanet 1478, MedGen C3279790, MONDO:0013567, OMIM 614089.
Hypertrophic cardiomyopathy 14. Identifiers: MedGen C2750467, MONDO:0013197, OMIM 613251.

Allele frequency attached by ClinVar (database versions not stated): gnomAD exomes below 0.00001 and 0.00003; gnomAD 0.00001; TOPMed 0.00002; ExAC 0.00003.

Submissions (2):

Labcorp Genetics (formerly Invitae), Labcorp
Classification: Likely benign for Hypertrophic cardiomyopathy 14. Last evaluated: 2025-12-13. Review status: criteria provided, single submitter. Criteria: Invitae Variant Classification Sherloc (09022015). Collection method: clinical testing. Allele origin: germline.

Baylor Genetics
Classification: Uncertain significance for Atrial septal defect 3. Last evaluated: 2018-05-14. Review status: criteria provided, single submitter. Criteria: ACMG Guidelines, 2015. Collection method: clinical testing. Allele origin: paternal. Affected: yes.
Comment: This variant was determined to be of uncertain significance according to ACMG Guidelines, 2015 [PMID:25741868].